The following is an entry in ClinVar:

NM_000059.4(BRCA2):c.7806-2105G>A

Gene: BRCA2 (BRCA2 DNA repair associated; plus strand). Cytogenetic location: 13q13.1.
Variant type: single nucleotide variant.
Coding change: c.7806-2105G>A on transcript NM_000059.4 (MANE Select); 2105 bases into the intron before coding-DNA position 7806, G replaced by A.
Molecular consequence: intron variant.
Genome position (GRCh38, 1-based): chr13:32,360,418, G>A. VCF-style: chr13-32360418-G-A. GRCh37 (hg19) VCF-style: chr13-32934555-G-A.
Other names: IVS 16-2105G>A.
Identifiers: ClinVar variation 209768 (VCV000209768.1), dbSNP rs182680171, ClinGen allele CA276736.

ClinVar aggregate classification (germline): Benign (3 of 4 stars; one submission).

Conditions:
Breast-ovarian cancer, familial, susceptibility to, 2 (BROVCA2). Also called: BRCA2 Hereditary Breast and Ovarian Cancer. Identifiers: Orphanet 145, MedGen C2675520, MONDO:0012933, OMIM 612555. Disease mechanism: loss of function.

Allele frequency attached by ClinVar (database versions not stated): gnomAD 0.00111 and 0.00122; TOPMed 0.00116; 1000 Genomes Project 30x 0.00047; 1000 Genomes Project 0.00060.
gnomAD v4.1: 166 of 152,266 alleles (0.11%); highest among the groups gnomAD compares: African/African-American, 0.39%; no homozygotes.

Submission:

Evidence-based Network for the Interpretation of Germline Mutant Alleles (ENIGMA)
Classification: Benign for Breast-ovarian cancer, familial 2. Last evaluated: 2015-01-12. Review status: reviewed by expert panel. Criteria: ENIGMA BRCA1/2 Classification Criteria (2015). Collection method: curation. Allele origin: germline.
Comment: Class 1 not pathogenic based on frequency >1% in an outbred sampleset. Frequency 0.01829 (African), derived from 1000 genomes (2012-04-30).